The following is an entry in ClinVar:

ClinVar aggregate classification (germline): Uncertain significance (1 of 4 stars; one submission).

Conditions:
Hereditary cancer-predisposing syndrome. Also called: Neoplastic Syndromes, Hereditary; Tumor predisposition; Hereditary neoplastic syndrome; Hereditary Cancer Syndrome. Identifiers: Orphanet 140162, MedGen C0027672, MeSH D009386, MONDO:0015356.

Allele frequency attached by ClinVar (database versions not stated): gnomAD exomes below 0.00001; TOPMed below 0.00001; gnomAD 0.00001.
gnomAD v4.1: 2 of 1,613,798 alleles (0.00012%); highest among the groups gnomAD compares: African/African-American, 0.0027%; no homozygotes.

Submission:

Ambry Genetics
Classification: Uncertain significance for Hereditary cancer-predisposing syndrome. Last evaluated: 2025-11-05. Review status: criteria provided, single submitter. Criteria: Ambry Variant Classification Scheme 2023. Collection method: clinical testing. Allele origin: germline.
Comment: The p.K2050N variant (also known as c.6150G>C), located in coding exon 15 of the APC gene, results from a G to C substitution at nucleotide position 6150. The lysine at codon 2050 is replaced by asparagine, an amino acid with similar properties. This amino acid position is highly conserved in available vertebrate species. In addition, in silico predictors for this gene do not accurately predict pathogenicity. Missense variants in APC are not a common cause of disease (Spier I et al. Genet Med. 2024 Feb;26(2):100992). Based on the available evidence, the clinical significance of this variant remains unclear.

NM_000038.6(APC):c.6150G>C (p.Lys2050Asn)

Gene: APC (APC regulator of Wnt signaling pathway; plus strand). Cytogenetic location: 5q22.2.
Variant type: single nucleotide variant.
Coding change: c.6150G>C on transcript NM_000038.6 (MANE Select); coding-DNA position 6150, G replaced by C.
Protein change: p.Lys2050Asn; replaces lysine 2050 with asparagine.
Molecular consequence: missense variant.
Genome position (GRCh38, 1-based): chr5:112,841,744, G>C. VCF-style: chr5-112841744-G-C. GRCh37 (hg19) VCF-style: chr5-112177441-G-C.
Other names: c.6150G>C, p.Lys2050Asn (NM_001127510.3, NM_001354895.2); c.6096G>C, p.Lys2032Asn (NM_001127511.3); c.6204G>C, p.Lys2068Asn (NM_001354896.2); c.6180G>C, p.Lys2060Asn (NM_001354897.2); c.6075G>C, p.Lys2025Asn (NM_001354898.2); c.6066G>C, p.Lys2022Asn (NM_001354899.2); c.6027G>C, p.Lys2009Asn (NM_001354900.2); c.5973G>C, p.Lys1991Asn (NM_001354901.2); and 5 more; short protein forms K1949N, K2009N, K1767N, K1890N, K1924N, K1959N, K1991N, K2025N.
Identifiers: ClinVar variation 826209 (VCV000826209.5), dbSNP rs1396748837, ClinGen allele CA16034796.
Genomic context (GRCh38, chr5:112,841,744, plus strand): 5'-TAGTATTGACTCTGAAGATGACCTGTTGCAGGAATGTATAAGCTCCGCAATGCCAAAAAA[G>C]AAAAAGCCTTCAAGACTCAAGGGTGATAATGAAAAACATAGTCCCAGAAATATGGGTGGC-3'
Protein context (NP_000029.2, residues 2040-2060): QECISSAMPK[Lys2050Asn]KKPSRLKGDN